The following is an entry in ClinVar:

NM_015488.5(PNKD):c.551T>C (p.Leu184Pro)

Genes: CATIP-AS2 (CATIP antisense RNA 2; minus strand), PNKD (PNKD metallo-beta-lactamase domain containing; plus strand). Cytogenetic location: 2q35.
Variant type: single nucleotide variant.
Coding change: c.551T>C on transcript NM_015488.5 (MANE Select); coding-DNA position 551, T replaced by C.
Protein change: p.Leu184Pro; replaces leucine 184 with proline.
Molecular consequence: missense variant.
Genome position (GRCh38, 1-based): chr2:218,341,560, T>C. VCF-style: chr2-218341560-T-C. GRCh37 (hg19) VCF-style: chr2-219206283-T-C.
Other names: c.479T>C, p.Leu160Pro (NM_022572.5); short protein forms L184P, L160P.
Identifiers: ClinVar variation 499931 (VCV000499931.10), dbSNP rs1243303171, ClinGen allele CA350540411.

ClinVar aggregate classification (germline): Uncertain significance. Review status: criteria provided, multiple submitters, no conflicts (2 of 4 stars). 3 submissions from 3 submitters: Uncertain significance (3). Last evaluated 2024-07-30.

Conditions:
Paroxysmal nonkinesigenic dyskinesia. Also called: Paroxysmal non-kinesigenic dyskinesia. Identifiers: Orphanet 98810, MedGen C1869117, MONDO:0700088.

Allele frequency attached by ClinVar (database versions not stated): gnomAD 0.00001; gnomAD exomes 0.00001; TOPMed 0.00001.
gnomAD v4.1: 16 of 1,602,414 alleles (0.001%); highest among the groups gnomAD compares: Non-Finnish European, 0.0014%; no homozygotes.

Submissions (3):

Labcorp Genetics (formerly Invitae), Labcorp
Classification: Uncertain significance for Paroxysmal nonkinesigenic dyskinesia. Last evaluated: 2024-07-30. Review status: criteria provided, single submitter. Criteria: Invitae Variant Classification Sherloc (09022015). Collection method: clinical testing. Allele origin: germline.
Comment: This sequence change replaces leucine, which is neutral and non-polar, with proline, which is neutral and non-polar, at codon 184 of the PNKD protein (p.Leu184Pro). The frequency data for this variant in the population databases is considered unreliable, as metrics indicate poor data quality at this position in the gnomAD database. This variant has not been reported in the literature in individuals affected with PNKD-related conditions. ClinVar contains an entry for this variant (Variation ID: 499931). Advanced modeling of protein sequence and biophysical properties (such as structural, functional, and spatial information, amino acid conservation, physicochemical variation, residue mobility, and thermodynamic stability) performed at Invitae indicates that this missense variant is expected to disrupt PNKD protein function with a positive predictive value of 80%. In summary, the available evidence is currently insufficient to determine the role of this variant in disease. Therefore, it has been classified as a Variant of Uncertain Significance.

Women's Health and Genetics/Laboratory Corporation of America, LabCorp
Classification: Uncertain significance. Last evaluated: 2024-01-31. Review status: criteria provided, single submitter. Criteria: LabCorp Variant Classification Summary - May 2015. Collection method: clinical testing. Allele origin: germline.
Comment: Variant summary: PNKD c.551T>C (p.Leu184Pro) results in a non-conservative amino acid change located in the Metallo-beta-lactamase (IPR001279) of the encoded protein sequence. Five of five in-silico tools predict a damaging effect of the variant on protein function. The variant allele was found at a frequency of 1e-05 in 1602414 control chromosomes, predominantly at a frequency of 1.4e-05 within the Non-Finnish European subpopulation in the gnomAD database. To our knowledge, no occurrence of c.551T>C in individuals affected with Paroxysmal Nonkinesigenic Dyskinesia 1 and no experimental evidence demonstrating its impact on protein function have been reported. ClinVar contains an entry for this variant (Variation ID: 499931). Based on the evidence outlined above, the variant was classified as uncertain significance.

Eurofins Ntd Llc (ga)
Classification: Uncertain significance. Last evaluated: 2017-09-08. Review status: criteria provided, single submitter. Criteria: EGL Classification Definitions 2015. Collection method: clinical testing. Allele origin: germline. Observed: 1 variant allele, 1 heterozygote.